The following is an entry in ClinVar:

ClinVar aggregate classification (germline): Conflicting classifications of pathogenicity. Review status: criteria provided, conflicting classifications (1 of 4 stars). 4 submissions from 3 submitters: Likely pathogenic (1); Uncertain significance (3). Last evaluated 2025-06-30.

Conditions:
Sudden cardiac failure, alcohol-induced (SCFAI). Identifiers: MedGen C4310663, MONDO:0014974, OMIM 617223.
Sudden cardiac failure, infantile (SCFI). Identifiers: MedGen C4310664, MONDO:0014973, OMIM 617222.
PPA2-related disorder. Also called: PPA2-related condition; PPA2-related disorders.

Allele frequency attached by ClinVar (database versions not stated): ExAC 0.00002; gnomAD exomes 0.00001 and 0.00002.
gnomAD v4.1: 12 of 1,609,726 alleles (0.00075%); highest among the groups gnomAD compares: South Asian, 0.013%; no homozygotes.

Submissions (4):

Labcorp Genetics (formerly Invitae), Labcorp
Classification: Uncertain significance. Last evaluated: 2025-06-30. Review status: criteria provided, single submitter. Criteria: Invitae Variant Classification Sherloc (09022015). Collection method: clinical testing. Allele origin: germline.
Comment: This sequence change replaces isoleucine, which is neutral and non-polar, with threonine, which is neutral and polar, at codon 168 of the PPA2 protein (p.Ile168Thr). This variant is present in population databases (rs760824971, gnomAD 0.02%). This missense change has been observed in individual(s) with sudden unexpected death in infancy (PMID: 34400813). It has also been observed to segregate with disease in related individuals. ClinVar contains an entry for this variant (Variation ID: 1048577). Invitae Evidence Modeling of protein sequence and biophysical properties (such as structural, functional, and spatial information, amino acid conservation, physicochemical variation, residue mobility, and thermodynamic stability) has been performed for this missense variant. However, the output from this modeling did not meet the statistical confidence thresholds required to predict the impact of this variant on PPA2 protein function. Experimental studies have shown that this missense change affects PPA2 function (PMID: 34400813). In summary, the available evidence is currently insufficient to determine the role of this variant in disease. Therefore, it has been classified as a Variant of Uncertain Significance.

PPA2 laboratory, University of Otago
Classification: Uncertain significance for Sudden cardiac failure, infantile. Last evaluated: 2021-03-02. Review status: criteria provided, single submitter. Criteria: ACMG Guidelines, 2015. Collection method: research. Allele origin: germline. Affected: yes.

PPA2 laboratory, University of Otago
Classification: Uncertain significance for Sudden cardiac failure, alcohol-induced. Last evaluated: 2021-03-02. Review status: criteria provided, single submitter. Criteria: ACMG Guidelines, 2015. Collection method: research. Allele origin: germline. Affected: yes.

Rady Children's Institute for Genomic Medicine, Rady Children's Hospital San Diego
Classification: Likely pathogenic for PPA2-Related Disorders. Review status: criteria provided, single submitter. Criteria: ACMG Guidelines, 2015. Collection method: clinical testing. Allele origin: germline. Affected: yes.
Comment: This variant has been previously reported as a homozygous change in two siblings with sudden cardiac arrest (PMID: 34400813). Functional studies performed on purified recombinant protein indicate the c.503T>C (p.Ile168Thr) variant results in a significant reduction in mitochondrial pyrophosphatase activity relative to controls (PMID: 34400813). The c.503T>C (p.Ile168Thr) variant is present in the heterozygous state in the gnomAD database at a frequency of 0.002% (6/246480) and thus is presumed to be rare. It affects a moderately conserved amino acid and is predicted by multiple in silico tools to have a deleterious effect on protein function. Based on the available evidence, the c.503T>C (p.Ile168Thr) variant is classified as Likely Pathogenic.

Literature cited by the submitters: PubMed 34400813 (cited by Labcorp Genetics (formerly Invitae), Labcorp).

NM_176869.3(PPA2):c.503T>C (p.Ile168Thr)

Gene: PPA2 (inorganic pyrophosphatase 2; minus strand). Cytogenetic location: 4q24.
Variant type: single nucleotide variant.
Coding change: c.503T>C on transcript NM_176869.3 (MANE Select); coding-DNA position 503, T replaced by C.
Protein change: p.Ile168Thr; replaces isoleucine 168 with threonine.
Molecular consequence: missense variant. On other transcripts: intron variant (3).
Genome position (GRCh38, 1-based): chr4:105,437,975, A>G on the plus strand (T>C on the coding strand, the complement: PPA2 is on the minus strand). VCF-style: chr4-105437975-A-G. GRCh37 (hg19) VCF-style: chr4-106359132-A-G.
Other names: c.157+35919T>C (NM_176867.3); c.223-13653T>C (NM_176866.2); c.441+8408T>C (NM_006903.4); short protein forms I168T.
Identifiers: ClinVar variation 1048577 (VCV001048577.3), dbSNP rs760824971, ClinGen allele CA3032511.